The following is an entry in ClinVar:

NM_015910.7(WDPCP):c.800T>A (p.Leu267Gln)

Gene: WDPCP (WD repeat containing planar cell polarity effector; minus strand). Cytogenetic location: 2p15.
Variant type: single nucleotide variant.
Coding change: c.800T>A on transcript NM_015910.7 (MANE Select); coding-DNA position 800, T replaced by A.
Protein change: p.Leu267Gln; replaces leucine 267 with glutamine.
Molecular consequence: missense variant. On other transcripts: non-coding transcript variant (3).
Genome position (GRCh38, 1-based): chr2:63,433,770, A>T on the plus strand (T>A on the coding strand, the complement: WDPCP is on the minus strand). VCF-style: chr2-63433770-A-T. GRCh37 (hg19) VCF-style: chr2-63660904-A-T.
Other names: c.323T>A, p.Leu108Gln (NM_001042692.3); c.728T>A, p.Leu243Gln (NM_001354044.2); c.800T>A, p.Leu267Gln (NM_001354045.2); short protein forms L108Q, L243Q, L267Q.
Identifiers: ClinVar variation 4999774 (VCV004999774.1).

ClinVar aggregate classification (germline): Uncertain significance (1 of 4 stars; one submission).

Conditions:
WDPCP-related disorder. Also called: WDPCP-related condition.

gnomAD v4.1: 1 of 1,613,722 alleles (0.000062%); highest among the groups gnomAD compares: Non-Finnish European, 0.000085%; no homozygotes.

Submission:

PreventionGenetics, part of Exact Sciences
Classification: Uncertain significance for WDPCP-related condition. Last evaluated: 2024-12-27. Review status: criteria provided, single submitter. Criteria: ACMG Guidelines, 2015. Collection method: clinical testing. Allele origin: germline.
Comment: The WDPCP c.800T>A variant is predicted to result in the amino acid substitution p.Leu267Gln. To our knowledge, this variant has not been reported in the literature or in a large population database (gnomAD), indicating this variant is rare. At this time, the clinical significance of this variant is uncertain due to the absence of conclusive functional and genetic evidence.